The following is an entry in ClinVar:

NM_004239.4(TRIP11):c.4712G>A (p.Arg1571His)

Gene: TRIP11 (thyroid hormone receptor interactor 11; minus strand). Cytogenetic location: 14q32.12.
Variant type: single nucleotide variant.
Coding change: c.4712G>A on transcript NM_004239.4 (MANE Select); coding-DNA position 4712, G replaced by A.
Protein change: p.Arg1571His; replaces arginine 1571 with histidine.
Molecular consequence: missense variant.
Genome position (GRCh38, 1-based): chr14:91,999,420, C>T on the plus strand (G>A on the coding strand, the complement: TRIP11 is on the minus strand). VCF-style: chr14-91999420-C-T. GRCh37 (hg19) VCF-style: chr14-92465764-C-T.
Other names: c.4709G>A, p.Arg1570His (NM_001321851.1); short protein forms R1571H, R1570H.
Identifiers: ClinVar variation 499894 (VCV000499894.7), dbSNP rs534500568, ClinGen allele CA265603853.

ClinVar aggregate classification (germline): Uncertain significance. Review status: criteria provided, multiple submitters, no conflicts (2 of 4 stars). 3 submissions from 3 submitters: Uncertain significance (3). Last evaluated 2022-05-19.

Conditions:
Achondrogenesis, type IA (ACG1A). Identifiers: Orphanet 932, Orphanet 93299, MedGen C0265273, MONDO:0008701, OMIM 200600.
Odontochondrodysplasia 1. Identifiers: Orphanet 166272, MedGen C5542277, MONDO:0100325, OMIM 184260.

Allele frequency attached by ClinVar (database versions not stated): gnomAD exomes below 0.00001 and 0.00002; gnomAD 0.00001 and 0.00002; TOPMed 0.00003.
gnomAD v4.1: 30 of 1,613,720 alleles (0.0019%); highest among the groups gnomAD compares: African/African-American, 0.004%; no homozygotes.

Submissions (3):

Labcorp Genetics (formerly Invitae), Labcorp
Classification: Uncertain significance for Achondrogenesis, type IA. Last evaluated: 2022-05-19. Review status: criteria provided, single submitter. Criteria: Invitae Variant Classification Sherloc (09022015). Collection method: clinical testing. Allele origin: germline.
Comment: This sequence change replaces arginine, which is basic and polar, with histidine, which is basic and polar, at codon 1571 of the TRIP11 protein (p.Arg1571His). This variant is present in population databases (rs534500568, gnomAD 0.0009%). This variant has not been reported in the literature in individuals affected with TRIP11-related conditions. ClinVar contains an entry for this variant (Variation ID: 499894). Algorithms developed to predict the effect of missense changes on protein structure and function output the following: SIFT: "Not Available"; PolyPhen-2: "Benign"; Align-GVGD: "Not Available". The histidine amino acid residue is found in multiple mammalian species, which suggests that this missense change does not adversely affect protein function. In summary, the available evidence is currently insufficient to determine the role of this variant in disease. Therefore, it has been classified as a Variant of Uncertain Significance.

Fulgent Genetics
Classification: Uncertain significance for Odontochondrodysplasia 1; Achondrogenesis, type IA. Last evaluated: 2021-10-07. Review status: criteria provided, single submitter. Criteria: ACMG Guidelines, 2015. Collection method: clinical testing. Allele origin: unknown.

Eurofins Ntd Llc (ga)
Classification: Uncertain significance. Last evaluated: 2017-02-06. Review status: criteria provided, single submitter. Criteria: EGL Classification Definitions 2015. Collection method: clinical testing. Allele origin: germline. Observed: 2 variant alleles, 2 heterozygotes.